The following is an entry in ClinVar:

NM_015909.4(NBAS):c.653del (p.Gly218fs)

Gene: NBAS (NBAS subunit of NRZ tethering complex; minus strand). Cytogenetic location: 2p24.3.
Variant type: Deletion.
Coding change: c.653del on transcript NM_015909.4 (MANE Select); coding-DNA position 653, one base deleted (G; older notation c.653delG).
Protein change: p.Gly218fs; shifts the reading frame from glycine 218.
Molecular consequence: frameshift variant. On other transcripts: non-coding transcript variant (1).
Genome position (GRCh38, 1-based): chr2:15,534,636, C deleted on the plus strand (G on the coding strand, the reverse complement: NBAS is on the minus strand); the first of 2 consecutive C bases (chr2:15,534,636-15,534,637); deleting either gives the same sequence. VCF-style (leftmost placement, unchanged base first): chr2-15534635-TC-T. GRCh37 (hg19) VCF-style: chr2-15674759-TC-T.
Other names: short protein forms G218fs.
Identifiers: ClinVar variation 4994608 (VCV004994608.1).

ClinVar aggregate classification (germline): Likely pathogenic (1 of 4 stars; one submission).

Conditions:
NBAS-related disorder. Also called: NBAS-related condition.

Submission:

PreventionGenetics, part of Exact Sciences
Classification: Likely pathogenic for NBAS-related condition. Last evaluated: 2025-12-08. Review status: criteria provided, single submitter. Criteria: ACMG Guidelines, 2015. Collection method: clinical testing. Allele origin: germline.
Comment: The NBAS c.653delG variant is predicted to result in a frameshift and premature protein termination (p.Gly218Glufs*44). To our knowledge, this variant has not been reported in the literature or in a large population database (gnomAD), indicating this variant is rare. Frameshift variants in NBAS are expected to be pathogenic. This variant is interpreted as likely pathogenic.